The following is an entry in ClinVar:

ClinVar aggregate classification (germline): Uncertain significance (1 of 4 stars; one submission).

Conditions:
Glycine encephalopathy. Also called: Non-ketotic hyperglycinemia; Nonketotic hyperglycinemia. Identifiers: Orphanet 407, MedGen C0751748, MONDO:0011612, HP:0008288.

gnomAD v4.1: 1 of 1,614,074 alleles (0.000062%); highest among the groups gnomAD compares: African/African-American, 0.0013%; no homozygotes.

Submission:

Labcorp Genetics (formerly Invitae), Labcorp
Classification: Uncertain significance for Glycine encephalopathy. Last evaluated: 2022-07-21. Review status: criteria provided, single submitter. Criteria: Invitae Variant Classification Sherloc (09022015). Collection method: clinical testing. Allele origin: germline.
Comment: This sequence change replaces valine, which is neutral and non-polar, with methionine, which is neutral and non-polar, at codon 446 of the GLDC protein (p.Val446Met). In summary, the available evidence is currently insufficient to determine the role of this variant in disease. Therefore, it has been classified as a Variant of Uncertain Significance. Advanced modeling of protein sequence and biophysical properties (such as structural, functional, and spatial information, amino acid conservation, physicochemical variation, residue mobility, and thermodynamic stability) performed at Invitae indicates that this missense variant is not expected to disrupt GLDC protein function. This variant has not been reported in the literature in individuals affected with GLDC-related conditions. This variant is not present in population databases (gnomAD no frequency).

NM_000170.3(GLDC):c.1336G>A (p.Val446Met)

Gene: GLDC (glycine decarboxylase; minus strand). Cytogenetic location: 9p24.1.
Variant type: single nucleotide variant.
Coding change: c.1336G>A on transcript NM_000170.3 (MANE Select); coding-DNA position 1336, G replaced by A.
Protein change: p.Val446Met; replaces valine 446 with methionine.
Molecular consequence: missense variant.
Genome position (GRCh38, 1-based): chr9:6,592,916, C>T on the plus strand (G>A on the coding strand, the complement: GLDC is on the minus strand). VCF-style: chr9-6592916-C-T. GRCh37 (hg19) VCF-style: chr9-6592916-C-T.
Other names: short protein forms V446M.
Identifiers: ClinVar variation 2132139 (VCV002132139.4), dbSNP rs2489085212, ClinGen allele CA372894024.
Genomic context (GRCh38, chr9:6,592,916, plus strand): 5'-CATCCTCAAAAAGCCGAAAATTGATCTGCCGCTGAGCGGCCCTGCCCAAGACCTCCTTCA[C>T]TGAGCAGCCACACTGAATCTTCAAGGTATCAAAGAACAGGTCATGCTGGAGTTGATGCCC-3'
Protein context (NP_000161.2, residues 436-456): DTLKIQCGCS[Val446Met]KEVLGRAAQR